The following is an entry in ClinVar:

NM_006371.4(CRTAP):c.-185T>C

Genes: CRTAP (cartilage associated protein; plus strand), LOC129936436 (ATAC-STARR-seq lymphoblastoid silent region 14183; plus strand). Cytogenetic location: 3p22.3.
Variant type: single nucleotide variant.
Coding change: c.-185T>C on transcript NM_006371.4; 185 bases upstream of the start codon, T replaced by C.
Genome position (GRCh38, 1-based): chr3:33,113,893, T>C. VCF-style: chr3-33113893-T-C. GRCh37 (hg19) VCF-style: chr3-33155385-T-C.
Identifiers: ClinVar variation 674862 (VCV000674862.4), dbSNP rs6550207, ClinGen allele CA16139563.

ClinVar aggregate classification (germline): Benign. Review status: criteria provided, multiple submitters, no conflicts (2 of 4 stars). 2 submissions from 2 submitters: Benign (2). Last evaluated 2018-06-19.

Allele frequency attached by ClinVar (database versions not stated): TOPMed 0.82969; 1000 Genomes Project 30x 0.84010; gnomAD exomes 0.86079; gnomAD 0.85111; 1000 Genomes Project 0.84704.

Submissions (2):

GeneDx
Classification: Benign. Last evaluated: 2018-06-19. Review status: criteria provided, single submitter. Criteria: GeneDx Variant Classification (06012015). Collection method: clinical testing. Allele origin: germline. Affected: yes.
Comment: This variant is considered likely benign or benign based on one or more of the following criteria: it is a conservative change, it occurs at a poorly conserved position in the protein, it is predicted to be benign by multiple in silico algorithms, and/or has population frequency not consistent with disease.

Breakthrough Genomics
Classification: Benign. Review status: criteria provided, single submitter. Criteria: ACMG Guidelines, 2015. Collection method: not provided. Allele origin: germline. Inheritance: Autosomal recessive inheritance. Affected: yes.